The following is an entry in ClinVar:

ClinVar aggregate classification (germline): Uncertain significance (1 of 4 stars; one submission).

Conditions:
ATRX-related disorder. Also called: ATRX-related condition.

Allele frequency attached by ClinVar (database versions not stated): TOPMed below 0.00001.

Submission:

PreventionGenetics, part of Exact Sciences
Classification: Uncertain significance for ATRX-related condition. Last evaluated: 2022-08-26. Review status: criteria provided, single submitter. Criteria: ACMG Guidelines, 2015. Collection method: clinical testing. Allele origin: germline.
Comment: The ATRX c.4159T>A variant is predicted to result in the amino acid substitution p.Ser1387Thr. To our knowledge, this variant has not been reported in the literature or in a large population database, indicating this variant is rare. At this time, the clinical significance of this variant is uncertain due to the absence of conclusive functional and genetic evidence.

NM_000489.6(ATRX):c.4159T>A (p.Ser1387Thr)

Gene: ATRX (ATRX chromatin remodeler; minus strand). Cytogenetic location: Xq21.1.
Variant type: single nucleotide variant.
Coding change: c.4159T>A on transcript NM_000489.6 (MANE Select); coding-DNA position 4159, T replaced by A.
Protein change: p.Ser1387Thr; replaces serine 1387 with threonine.
Molecular consequence: missense variant.
Genome position (GRCh38, 1-based): chrX:77,656,615, A>T on the plus strand (T>A on the coding strand, the complement: ATRX is on the minus strand). VCF-style: chrX-77656615-A-T. GRCh37 (hg19) VCF-style: chrX-76912105-A-T.
Other names: c.4045T>A, p.Ser1349Thr (NM_138270.5); short protein forms S1349T, S1387T.
Identifiers: ClinVar variation 2636419 (VCV002636419.1), dbSNP rs2069568568, ClinGen allele CA413710664.